The following is an entry in ClinVar:

NM_001267550.2(TTN):c.60550G>A (p.Val20184Ile)

Genes: TTN-AS1 (TTN antisense RNA 1; plus strand), TTN (titin; minus strand). Cytogenetic location: 2q31.2.
Variant type: single nucleotide variant.
Coding change: c.60550G>A on transcript NM_001267550.2 (MANE Select); coding-DNA position 60550, G replaced by A.
Protein change: p.Val20184Ile; replaces valine 20184 with isoleucine.
Molecular consequence: missense variant. On other transcripts: non-coding transcript variant (1).
Genome position (GRCh38, 1-based): chr2:178,591,175, C>T on the plus strand (G>A on the coding strand, the complement: TTN is on the minus strand). VCF-style: chr2-178591175-C-T. GRCh37 (hg19) VCF-style: chr2-179455902-C-T.
Other names: c.55627G>A, p.Val18543Ile (NM_001256850.1); c.33355G>A, p.Val11119Ile (NM_003319.4); c.52846G>A, p.Val17616Ile (NM_133378.4); c.33730G>A, p.Val11244Ile (NM_133432.3); c.33931G>A, p.Val11311Ile (NM_133437.4); short protein forms V11244I, V17616I, V11119I, V11311I, V18543I, V20184I.
Identifiers: ClinVar variation 1730344 (VCV001730344.4), dbSNP rs564621227, ClinGen allele CA1992477.

ClinVar aggregate classification (germline): Conflicting classifications of pathogenicity. Review status: criteria provided, conflicting classifications (1 of 4 stars). 3 submissions from 3 submitters: Uncertain significance (1); Likely benign (2). Last evaluated 2026-09-21.

Conditions:
Cardiovascular phenotype. Identifiers: MedGen CN230736.

Allele frequency attached by ClinVar (database versions not stated): TOPMed 0.00002; 1000 Genomes Project 30x 0.00016; 1000 Genomes Project 0.00020; ExAC 0.00002; gnomAD 0.00003; gnomAD exomes 0.00004.
gnomAD v4.1: 70 of 1,613,340 alleles (0.0043%); highest among the groups gnomAD compares: Non-Finnish European, 0.0057%; no homozygotes.

Submissions (3):

Molecular Diagnostic Laboratory for Inherited Cardiovascular Disease, Montreal Heart Institute
Classification: Likely benign. Last evaluated: 2026-09-21. Review status: criteria provided, single submitter. Criteria: ACMG Guidelines, 2015. Collection method: clinical testing. Allele origin: germline. Affected: no.

Blueprint Genetics
Classification: Likely benign. Last evaluated: 2023-01-13. Review status: criteria provided, single submitter. Criteria: ACMG Guidelines, 2015. Collection method: clinical testing. Allele origin: germline.

Ambry Genetics
Classification: Uncertain significance for Cardiovascular phenotype. Last evaluated: 2020-03-09. Review status: criteria provided, single submitter. Criteria: Ambry Variant Classification Scheme 2023. Collection method: clinical testing. Allele origin: germline.
Comment: The p.V11119I variant (also known as c.33355G>A), located in coding exon 131 of the TTN gene, results from a G to A substitution at nucleotide position 33355. The valine at codon 11119 is replaced by isoleucine, an amino acid with highly similar properties. This amino acid position is well conserved in available vertebrate species; however, isoleucine is the reference amino acid in other vertebrate species. In addition, this alteration is predicted to be tolerated by in silico analysis. Since supporting evidence is limited at this time, the clinical significance of this alteration remains unclear.